The following is an entry in ClinVar:

NM_002473.6(MYH9):c.5765+4A>G

Gene: MYH9 (myosin heavy chain 9; minus strand). Cytogenetic location: 22q12.3.
Variant type: single nucleotide variant.
Coding change: c.5765+4A>G on transcript NM_002473.6 (MANE Select); 4 bases into the intron after coding-DNA position 5765, A replaced by G.
Molecular consequence: intron variant.
Genome position (GRCh38, 1-based): chr22:36,284,089, T>C on the plus strand (A>G on the coding strand, the complement: MYH9 is on the minus strand). VCF-style: chr22-36284089-T-C. GRCh37 (hg19) VCF-style: chr22-36680135-T-C.
Other names: c.5765+4A>G (NM_002473.5).
Identifiers: ClinVar variation 2714905 (VCV002714905.7), dbSNP rs879004303, ClinGen allele CA323585157.
Genomic context (GRCh38, chr22:36,284,089, plus strand): 5'-GAGGAACAAGCTACCTTTTGAGAGAAGTGCCGAGGCAAAGGGGCGGGTGGGCAGGGCGGC[T>C]CACCTGAGCTTGTTCTTTAGGGAGCTGACTTCGCGGTTCATGGCATCGGCCGTCTCAGTG-3'

ClinVar aggregate classification (germline): Uncertain significance. Review status: criteria provided, multiple submitters, no conflicts (2 of 4 stars). 4 submissions from 4 submitters: Uncertain significance (3). 1 of the submissions does not count toward it. Last evaluated 2026-01-17.

Conditions:
MYH9-related disorder. Identifiers: MedGen C1854520.
Macrothrombocytopenia and granulocyte inclusions with or without nephritis or sensorineural hearing loss (MATINS). Also called: MAY-HEGGLIN ANOMALY; DOHLE LEUKOCYTE INCLUSIONS WITH GIANT PLATELETS; MACROTHROMBOCYTOPENIA WITH LEUKOCYTE INCLUSIONS; MYH9-Related Disease (MYH9-RD); BLEEDING DISORDER, PLATELET-TYPE, 6; SEBASTIAN PLATELET SYNDROME. Identifiers: Orphanet 182050, MedGen C5200934, MONDO:0015912, OMIM 155100.
Autosomal dominant nonsyndromic hearing loss 17. Also called: Deafness, autosomal dominant 17; Autosomal dominant nonsyndromic deafness 17. Identifiers: Orphanet 90635, MedGen C1863659, MONDO:0011350, OMIM 603622.

Allele frequency attached by ClinVar (database versions not stated): gnomAD 0.00002; gnomAD exomes 0.00002; TOPMed 0.00002.
gnomAD v4.1: 39 of 1,613,988 alleles (0.0024%); highest among the groups gnomAD compares: Non-Finnish European, 0.0031%; no homozygotes.

Submissions (4):

Labcorp Genetics (formerly Invitae), Labcorp
Classification: Uncertain significance. Last evaluated: 2026-01-17. Review status: criteria provided, single submitter. Criteria: Invitae Variant Classification Sherloc (09022015). Collection method: clinical testing. Allele origin: germline.
Comment: This sequence change falls in intron 40 of the MYH9 gene. It does not directly change the encoded amino acid sequence of the MYH9 protein. It affects a nucleotide within the consensus splice site. This variant is present in population databases (no rsID available, gnomAD 0.004%). This variant has not been reported in the literature in individuals affected with MYH9-related conditions. ClinVar contains an entry for this variant (Variation ID: 2714905). Variants that disrupt the consensus splice site are a relatively common cause of aberrant splicing (PMID: 17576681, 9536098). Algorithms developed to predict the effect of sequence changes on RNA splicing suggest that this variant is not likely to affect RNA splicing. In summary, the available evidence is currently insufficient to determine the role of this variant in disease. Therefore, it has been classified as a Variant of Uncertain Significance.

Blueprint Genetics
Classification: Uncertain significance. Last evaluated: 2024-06-07. Review status: criteria provided, single submitter. Criteria: ACMG Guidelines, 2015. Collection method: clinical testing. Allele origin: germline.

Fulgent Genetics
Classification: Uncertain significance for Macrothrombocytopenia and granulocyte inclusions with or without nephritis or sensorineural hearing loss; Autosomal dominant nonsyndromic hearing loss 17. Last evaluated: 2024-02-29. Review status: criteria provided, single submitter. Criteria: ACMG Guidelines, 2015. Collection method: clinical testing. Allele origin: germline.

PreventionGenetics, part of Exact Sciences
Classification: Likely benign for MYH9-related condition. Last evaluated: 2022-03-09. Review status: no assertion criteria provided. Collection method: clinical testing. Allele origin: germline. Not counted in ClinVar's aggregate classification.
Comment: This variant is classified as likely benign based on ACMG/AMP sequence variant interpretation guidelines (Richards et al. 2015 PMID: 25741868, with internal and published modifications).

Literature cited by the submitters: PubMed 17576681 (cited by Labcorp Genetics (formerly Invitae), Labcorp); PubMed 9536098 (cited by Labcorp Genetics (formerly Invitae), Labcorp).